The following is an entry in ClinVar:

ClinVar aggregate classification (germline): Pathogenic/Likely pathogenic. Review status: criteria provided, multiple submitters, no conflicts (2 of 4 stars). 4 submissions from 4 submitters: Pathogenic (2); Likely pathogenic (2). Last evaluated 2024-03-16.

Conditions:
Glycogen storage disease type III (GSD3). Also called: FORBES DISEASE; Cori disease. Identifiers: Orphanet 366, MedGen C0017922, MONDO:0009291, OMIM 232400.

Allele frequency attached by ClinVar (database versions not stated): TOPMed below 0.00001; gnomAD 0.00001.
gnomAD v4.1: 2 of 1,612,764 alleles (0.00012%); highest among the groups gnomAD compares: Non-Finnish European, 0.00017%; no homozygotes.

Submissions (4):

Labcorp Genetics (formerly Invitae), Labcorp
Classification: Pathogenic for Glycogen storage disease type III. Last evaluated: 2024-03-16. Review status: criteria provided, single submitter. Criteria: Invitae Variant Classification Sherloc (09022015). Collection method: clinical testing. Allele origin: germline.
Comment: This sequence change affects a donor splice site in intron 24 of the AGL gene. It is expected to disrupt RNA splicing. Variants that disrupt the donor or acceptor splice site typically lead to a loss of protein function (PMID: 16199547), and loss-of-function variants in AGL are known to be pathogenic (PMID: 19299494). This variant is present in population databases (no rsID available, gnomAD 0.007%). Disruption of this splice site has been observed in individual(s) with glycogen storage disease type III (PMID: 25451950). ClinVar contains an entry for this variant (Variation ID: 1438405). Algorithms developed to predict the effect of sequence changes on RNA splicing suggest that this variant may disrupt the consensus splice site. For these reasons, this variant has been classified as Pathogenic.

Baylor Genetics
Classification: Pathogenic for Glycogen storage disease type III. Last evaluated: 2024-01-21. Review status: criteria provided, single submitter. Criteria: ACMG Guidelines, 2015. Collection method: clinical testing. Allele origin: unknown.

Genome-Nilou Lab
Classification: Likely pathogenic for Glycogen storage disease type III. Last evaluated: 2023-04-11. Review status: criteria provided, single submitter. Criteria: ACMG Guidelines, 2015. Collection method: clinical testing. Allele origin: germline. Affected: no.

Fulgent Genetics
Classification: Likely pathogenic for Glycogen storage disease type III. Last evaluated: 2021-10-22. Review status: criteria provided, single submitter. Criteria: ACMG Guidelines, 2015. Collection method: clinical testing. Allele origin: unknown.

Literature cited by the submitters: PubMed 16199547 (cited by Labcorp Genetics (formerly Invitae), Labcorp); PubMed 19299494 (cited by Labcorp Genetics (formerly Invitae), Labcorp); PubMed 25451950 (cited by Labcorp Genetics (formerly Invitae), Labcorp).

NM_000642.3(AGL):c.3259+1G>A

Gene: AGL (amylo-alpha-1,6-glucosidase and 4-alpha-glucanotransferase; plus strand). Cytogenetic location: 1p21.2.
Variant type: single nucleotide variant.
Coding change: c.3259+1G>A on transcript NM_000642.3 (MANE Select); the canonical splice donor site of the intron after coding-DNA position 3259, G replaced by A.
Molecular consequence: splice donor variant.
Genome position (GRCh38, 1-based): chr1:99,892,608, G>A. VCF-style: chr1-99892608-G-A. GRCh37 (hg19) VCF-style: chr1-100358164-G-A.
Other names: c.3259+1G>A (NM_000643.3, NM_000644.3, NM_001425325.1 and 2 more transcripts); c.3211+1G>A (NM_000646.3); c.3238+1G>A (NM_001425326.1); c.3058+1G>A (NM_001425327.1); c.3055+1G>A (NM_001425328.1); c.2920+1G>A (NM_001425329.1); c.2881+1G>A (NM_001425332.1).
Identifiers: ClinVar variation 1438405 (VCV001438405.11), dbSNP rs1394576194, ClinGen allele CA341327371.